The following is an entry in ClinVar:

NM_006060.6(IKZF1):c.424G>T (p.Glu142Ter)

Gene: IKZF1 (IKAROS family zinc finger 1; plus strand). Cytogenetic location: 7p12.2.
Variant type: single nucleotide variant.
Coding change: c.424G>T on transcript NM_006060.6 (MANE Select); coding-DNA position 424, G replaced by T.
Protein change: p.Glu142Ter; replaces glutamic acid 142 with a stop codon.
Molecular consequence: nonsense. On other transcripts: intron variant (6).
Genome position (GRCh38, 1-based): chr7:50,382,542, G>T. VCF-style: chr7-50382542-G-T. GRCh37 (hg19) VCF-style: chr7-50450240-G-T.
Other names: c.424G>T, p.Glu142Ter (NM_001220765.3, NM_001220768.2, NM_001291837.2); c.163G>T, p.Glu55Ter (NM_001220767.2, NM_001220770.2, NM_001291838.2 and 1 more transcripts); c.484G>T, p.Glu162Ter (NM_001410879.1); c.421+5749G>T (NM_001220771.2); c.161-4803G>T (NM_001291841.1, NM_001291842.1); c.161-9187G>T (NM_001291843.1, NM_001291844.1); c.161-17376G>T (NM_001291840.1); short protein forms E142*, E162*, E55*.
Identifiers: ClinVar variation 3352339 (VCV003352339.1).
Genomic context (GRCh38, chr7:50,382,542, plus strand): 5'-CGTCCTCATGTCCCCACGCTGAGTTTAGTTCTCACCAGCTCTCCTCTCTCCGTCCCAGGA[G>T]AACGGCCCTTCCAGTGCAATCAGTGCGGGGCCTCATTCACCCAGAAGGGCAACCTGCTCC-3'

ClinVar aggregate classification (germline): Likely pathogenic (0 of 4 stars; one submission).

Conditions:
IKZF1-related disorder. Also called: IKZF1-related condition.

Submission:

PreventionGenetics, part of Exact Sciences
Classification: Likely pathogenic for IKZF1-related condition. Last evaluated: 2024-09-10. Review status: no assertion criteria provided. Collection method: clinical testing. Allele origin: germline.
Comment: The IKZF1 c.424G>T variant is predicted to result in premature protein termination (p.Glu142*). To our knowledge, this variant has not been reported in the literature or in a large population database, indicating this variant is rare. Nonsense variants in IKZF1 are expected to be pathogenic. This variant is interpreted as likely pathogenic.